The following is an entry in ClinVar:

ClinVar aggregate classification (germline): Uncertain significance (1 of 4 stars; one submission).

Conditions:
Metachromatic leukodystrophy (MLD). Also called: Cerebral sclerosis diffuse metachromatic form; ARSA DEFICIENCY; CEREBROSIDE SULFATASE DEFICIENCY; METACHROMATIC LEUKOENCEPHALOPATHY; SULFATIDE LIPIDOSIS; Arylsulfatase A Deficiency. Identifiers: Orphanet 512, MedGen C0023522, MONDO:0018868, OMIM 250100.

Submission:

Labcorp Genetics (formerly Invitae), Labcorp
Classification: Uncertain significance for Metachromatic leukodystrophy. Last evaluated: 2022-05-08. Review status: criteria provided, single submitter. Criteria: Invitae Variant Classification Sherloc (09022015). Collection method: clinical testing. Allele origin: germline.
Comment: Advanced modeling of protein sequence and biophysical properties (such as structural, functional, and spatial information, amino acid conservation, physicochemical variation, residue mobility, and thermodynamic stability) performed at Invitae indicates that this missense variant is expected to disrupt ARSA protein function. This sequence change replaces threonine, which is neutral and polar, with isoleucine, which is neutral and non-polar, at codon 108 of the ARSA protein (p.Thr108Ile). This variant is not present in population databases (gnomAD no frequency). This variant has not been reported in the literature in individuals affected with ARSA-related conditions. In summary, the available evidence is currently insufficient to determine the role of this variant in disease. Therefore, it has been classified as a Variant of Uncertain Significance.

NM_000487.6(ARSA):c.323C>T (p.Thr108Ile)

Gene: ARSA (arylsulfatase A; minus strand). Cytogenetic location: 22q13.33.
Variant type: single nucleotide variant.
Coding change: c.323C>T on transcript NM_000487.6 (MANE Select); coding-DNA position 323, C replaced by T.
Protein change: p.Thr108Ile; replaces threonine 108 with isoleucine.
Molecular consequence: missense variant.
Genome position (GRCh38, 1-based): chr22:50,627,308, G>A on the plus strand (C>T on the coding strand, the complement: ARSA is on the minus strand). VCF-style: chr22-50627308-G-A. GRCh37 (hg19) VCF-style: chr22-51065736-G-A.
Other names: c.323C>T, p.Thr108Ile (NM_001085425.3, NM_001085426.3, NM_001085427.3); c.65C>T, p.Thr22Ile (NM_001085428.3, NM_001362782.2); short protein forms T108I, T22I.
Identifiers: ClinVar variation 2156824 (VCV002156824.4), dbSNP rs2518334325, ClinGen allele CA412181209.